The following is an entry in ClinVar:

ClinVar aggregate classification (germline): Conflicting classifications of pathogenicity. Review status: criteria provided, conflicting classifications (1 of 4 stars). 17 submissions from 16 submitters: Pathogenic (3); Likely pathogenic (6); Uncertain significance (5). 3 of the submissions do not count toward it. Last evaluated 2026-09-08.

Conditions:
GLA-related disorder. Also called: GLA-related condition.
Cardiovascular phenotype. Identifiers: MedGen CN230736.
Fabry disease. Also called: Fabry's disease; ALPHA-GALACTOSIDASE A DEFICIENCY; ANDERSON-FABRY DISEASE; CERAMIDE TRIHEXOSIDASE DEFICIENCY; GLA DEFICIENCY; HEREDITARY DYSTOPIC LIPIDOSIS. Identifiers: Orphanet 324, MedGen C0002986, MONDO:0010526, OMIM 301500, HP:0001071. Disease mechanism: loss of function, Fabry disease is due to inactivating mutations in the X-linked GLA gene resulting in deficiency of the enzyme Alpha Galactosidase-A..
Migalastat response. Also called: 1-Deoxygalactonojirimycin response; Galafold response. Identifiers: MedGen CN233149.

Allele frequency attached by ClinVar (database versions not stated): gnomAD 0.00002; gnomAD exomes 0.00001; TOPMed 0.00003.
gnomAD v4.1: 17 of 1,192,707 alleles (0.0014%); highest among the groups gnomAD compares: Non-Finnish European, 0.0018%; no homozygotes.

Submissions 1 to 8 of 17:

Genomenon, Inc
Classification: Likely pathogenic for Fabry disease. Last evaluated: 2026-09-08. Review status: criteria provided, single submitter. Criteria: Genomenon Sequence Variant Interpretation Standards - Updated. Collection method: curation. Allele origin: germline. Affected: yes.
Comment: GLA p.Ile198Thr (c.593T>C) is a missense variant that changes the amino acid at codon 198 from Isoleucine to Threonine. This variant has been observed in at least one proband with clinical features consistent with Fabry disease (PMID:39343861;25974833;26415523;36156392;28749998;39669636;21587323;31996269;25511234). Functional or patient cell studies have been reported (PMID:32023956;31036492;26415523;25974833;32802993;21587323;27657681;39343861;31996269;38739391;39669636;32418857). It is absent or not present at a significant frequency in gnomAD. In silico models predict that this variant is possibly or probably damaging. In conclusion, we classify GLA p.Ile198Thr (c.593T>C) as a likely pathogenic variant.

Ambry Genetics
Classification: Uncertain significance for Cardiovascular phenotype. Last evaluated: 2026-08-07. Review status: criteria provided, single submitter. Criteria: Ambry Variant Classification Scheme 2023. Collection method: clinical testing. Allele origin: germline.
Comment: The p.I198T variant (also known as c.593T>C), located in coding exon 4 of the GLA gene, results from a T to C substitution at nucleotide position 593. The isoleucine at codon 198 is replaced by threonine, an amino acid with similar properties. This variant has been detected in Fabry disease cohorts or in individuals with reduced but residual enzyme activity; however, no individuals with classic Fabry disease were apparent (Houge G et al. Eur. J. Hum. Genet., 2011 Nov;19:1111; Auray-Blais C et al. Clin. Chim. Acta, 2015 Jan;438:195-204; Echevarria L et al. Clin. Genet., 2016 Jan;89:44-54; Pettazzoni M et al. PLoS ONE, 2017 Jul;12:e0181700). Functional studies indicate this variant results in some reduction of enzyme activity; however, the physiological relevance of this finding is unclear (Lukas J et al. Hum Mutat. 2016 Jan;37(1):43-51; Benjamin ER et al. Genet Med. 2017 Apr;19(4):430-438; Oommen S et al. Mol Genet Metab. 2019 May;127(1):74-85; Lukas J et al. Int J Mol Sci. 2020 Jan;21(3)). This amino acid position is highly conserved in available vertebrate species. In addition, this alteration is predicted to be deleterious by in silico analysis. Based on data from gnomAD, the C allele has an overall frequency of 0.0011% (2/181907) total alleles studied, with 1 hemizygote(s) observed. The highest observed frequency was 0.0025% (2/81184) of European (Non-Finnish) alleles. Based on the available evidence, the clinical significance of this variant remains unclear.

Myriad Genetics, Inc.
Classification: Likely pathogenic for Fabry disease. Last evaluated: 2026-04-16. Review status: criteria provided, single submitter. Criteria: Myriad Autosomal Dominant, Autosomal Recessive and X-Linked Classification Criteria (2023). Collection method: clinical testing. Allele origin: unknown.
Comment: NM_000169.2(GLA):c.593T>C(I198T) is a missense variant classified as likely pathogenic in the context of Fabry disease. I198T has been observed in cases with relevant disease (PMID: 31996269, 28749998, 25511234, 26415523, 25149322, 32418857, 21587323, 32802993, 25974833). Relevant functional assessments of this variant are available in the literature (PMID: 26415523, 31036492, 27657681). I198T has been observed in referenced population frequency databases. In summary, NM_000169.2(GLA):c.593T>C(I198T) is a missense variant that has been observed more frequently in cases with the relevant disease than in healthy populations. Please note: this variant was assessed in the context of healthy population screening.

Labcorp Genetics (formerly Invitae), Labcorp
Classification: Pathogenic for Fabry disease. Last evaluated: 2026-01-18. Review status: criteria provided, single submitter. Criteria: Invitae Variant Classification Sherloc (09022015). Collection method: clinical testing. Allele origin: germline.
Comment: This sequence change replaces isoleucine, which is neutral and non-polar, with threonine, which is neutral and polar, at codon 198 of the GLA protein (p.Ile198Thr). This variant is present in population databases (rs727503950, gnomAD 0.003%). This missense change has been observed in individual(s) with Fabry disease (PMID: 21587323, 25149322, 25974833; internal data). ClinVar contains an entry for this variant (Variation ID: 167142). Invitae Evidence Modeling of protein sequence and biophysical properties (such as structural, functional, and spatial information, amino acid conservation, physicochemical variation, residue mobility, and thermodynamic stability) indicates that this missense variant is expected to disrupt GLA protein function with a positive predictive value of 80%. Experimental studies have shown that this missense change affects GLA function (PMID: 26415523). For these reasons, this variant has been classified as Pathogenic.

Greenwood Genetic Center Diagnostic Laboratories, Greenwood Genetic Center
Classification: Uncertain significance. Last evaluated: 2025-11-06. Review status: criteria provided, single submitter. Criteria: ACMG Guidelines, 2015. Collection method: clinical testing. Allele origin: germline. Affected: yes.
Comment: PM1_supporting, PM2, PS3_supporting, PP3

GeneDx
Classification: Uncertain significance. Last evaluated: 2025-10-10. Review status: criteria provided, single submitter. Criteria: GeneDx Variant Classification Process June 2021. Collection method: clinical testing. Allele origin: germline. Affected: yes.
Comment: Identified in multiple unrelated individuals with reduced alpha galactosidase activity; however many of these individuals were asymptomatic and limited clinical information was provided on individuals described as symptomatic (PMID: 25149322, 21587323, 25511234, 25974833, 28749998, 39343861); Functional analysis of p.(I198T) found that it is associated with significant residual enzyme activity (39-65%) (PMID: 27657681, 26415523, 31036492); In silico analysis supports that this missense variant has a deleterious effect on protein structure/function; This variant is associated with the following publications: (PMID: 25511234, 26415523, 25974833, 21587323, 31036492, 35977816, 32161151, 36156392, 37441486, 29476735, 38531466, 39669636, 38739391, Chen-Deutsch[abstract], 28749998, 32802993, 31996269, 39343861, 25149322, 27657681, 40840051)

Women's Health and Genetics/Laboratory Corporation of America, LabCorp
Classification: Pathogenic for Fabry disease. Last evaluated: 2025-09-30. Review status: criteria provided, single submitter. Criteria: LabCorp Variant Classification Summary - May 2015. Collection method: clinical testing. Allele origin: germline.
Comment: Variant summary: GLA c.593T>C (p.Ile198Thr) results in a non-conservative amino acid change in the encoded protein sequence. Algorithms developed to predict the effect of missense changes on protein structure and function all suggest that this variant is likely to be disruptive. The variant allele was found at a frequency of 1.1e-05 in 181907 control chromosomes. c.593T>C has been observed in multiple individuals affected with Fabry Disease (e.g. Auray-Blais_2015, Lukas_2016, Germain_2014, Pettazzoni_2017, Varela_2020, internal_data). These data indicate that the variant is very likely to be associated with disease. At least one publication reports experimental evidence evaluating an impact on protein function (e.g. Lukas_2016, Oommen_2019). The most pronounced variant effect results in 30%-50% of normal activity. The following publications have been ascertained in the context of this evaluation (PMID: 26415523, 25974833, 25511234, 25149322, 29476735, 21587323, 31036492, 28749998, 31996269). ClinVar contains an entry for this variant (Variation ID: 167142). Based on the evidence outlined above, the variant was classified as pathogenic.

Natera, Inc.
Classification: Likely pathogenic for Fabry disease. Last evaluated: 2025-09-01. Review status: criteria provided, single submitter. Criteria: Natera Variant Classification Schema (03/2026). Collection method: clinical testing. Allele origin: germline.
Comment: The c.593T>C variant in GLA is a missense variant predicted to cause substitution of isoleucine to threonine at amino acid 198. This variant is rare in the general population with a frequency below the threshold expected for the associated phenotype(s). This variant has been observed in at least one unaffected individual, with a zygosity that is consistent with the inheritance pattern for the associated condition (in gnomAD and/or literature). This variant has been observed in affected individual(s) with monoallelic occurrence (heterozygous/hemizygous) (PMID: 25974833, 25149322, 28749998, 25511234, 38739391). Computational prediction algorithms indicate this variant is likely to affect gene or protein function. Given the available evidence, this variant is classified as Likely Pathogenic.

NM_000169.3(GLA):c.593T>C (p.Ile198Thr)

Genes: GLA (galactosidase alpha; minus strand), RPL36A-HNRNPH2 (RPL36A-HNRNPH2 readthrough; plus strand). Cytogenetic location: Xq22.1.
Variant type: single nucleotide variant.
Coding change: c.593T>C on transcript NM_000169.3 (MANE Select); coding-DNA position 593, T replaced by C.
Protein change: p.Ile198Thr; replaces isoleucine 198 with threonine.
Molecular consequence: missense variant. On other transcripts: non-coding transcript variant (2), intron variant (2).
Genome position (GRCh38, 1-based): chrX:101,400,712, A>G on the plus strand (T>C on the coding strand, the complement: GLA is on the minus strand). VCF-style: chrX-101400712-A-G. GRCh37 (hg19) VCF-style: chrX-100655700-A-G.
Other names: c.593T>C (NM_000169.2); c.716T>C, p.Ile239Thr (NM_001406747.1); c.593T>C, p.Ile198Thr (NM_001406748.1); c.300+5255A>G (NM_001199973.2); c.177+8890A>G (NM_001199974.2); short protein forms I239T.
Identifiers: ClinVar variation 167142 (VCV000167142.54), dbSNP rs727503950, ClinGen allele CA021809.